The following is an entry in ClinVar:

NM_033056.4(PCDH15):c.4783A>C (p.Ile1595Leu)

Gene: PCDH15 (protocadherin related 15; minus strand). Cytogenetic location: 10q21.1.
Variant type: single nucleotide variant.
Coding change: c.4783A>C on transcript NM_033056.4 (MANE Plus Clinical); coding-DNA position 4783, A replaced by C.
Protein change: p.Ile1595Leu; replaces isoleucine 1595 with leucine.
Molecular consequence: missense variant. On other transcripts: intron variant (8).
Genome position (GRCh38, 1-based): chr10:53,822,943, T>G on the plus strand (A>C on the coding strand, the complement: PCDH15 is on the minus strand). VCF-style: chr10-53822943-T-G. GRCh37 (hg19) VCF-style: chr10-55582703-T-G.
Other names: c.4804A>C, p.Ile1602Leu (NM_001142763.2); c.4789A>C, p.Ile1597Leu (NM_001142764.2); c.4576A>C, p.Ile1526Leu (NM_001142765.2); c.4774A>C, p.Ile1592Leu (NM_001142766.2); c.4663A>C, p.Ile1555Leu (NM_001142767.2); c.4723A>C, p.Ile1575Leu (NM_001142768.2); c.4714A>C, p.Ile1572Leu (NM_001142773.2); c.4717A>C, p.Ile1573Leu (NM_001354404.2); and 6 more; short protein forms I1595L, I1526L, I1572L, I1592L, I1602L, I1573L, I1555L, I1575L.
Identifiers: ClinVar variation 46486 (VCV000046486.22), dbSNP rs397517461, ClinGen allele CA138445.

ClinVar aggregate classification (germline): Conflicting classifications of pathogenicity. Review status: criteria provided, conflicting classifications (1 of 4 stars). 7 submissions from 7 submitters: Uncertain significance (3); Benign (1); Likely benign (2). 1 of the submissions does not count toward it. Last evaluated 2026-05-27.

Conditions:
PCDH15-related disorder. Also called: PCDH15-related disorders; PCDH15-related condition.
Inborn genetic diseases. Identifiers: MedGen C0950123, MeSH D030342.
Usher syndrome type 1 (USH1). Also called: RETINITIS PIGMENTOSA AND CONGENITAL DEAFNESS. Identifiers: Orphanet 231169, Orphanet 886, MedGen C1568247, MONDO:0010168, OMIM 276900.
Usher syndrome type 1F (USH1F). Also called: USHER SYNDROME, TYPE IF. Identifiers: Orphanet 231169, Orphanet 886, MedGen C1865885, MONDO:0011186, OMIM 602083.

Allele frequency attached by ClinVar (database versions not stated): gnomAD exomes 0.00018; gnomAD 0.00002; ExAC 0.00021; TOPMed 0.00002.
gnomAD v4.1: 47 of 1,614,030 alleles (0.0029%); highest among the groups gnomAD compares: Admixed American, 0.07%; 1 homozygote.

Submissions (7):

PreventionGenetics, part of Exact Sciences
Classification: Uncertain significance for PCDH15-related condition. Last evaluated: 2026-05-27. Review status: criteria provided, single submitter. Criteria: ACMG Guidelines, 2015. Collection method: clinical testing. Allele origin: germline.
Comment: The PCDH15 c.4783A>C variant is predicted to result in the amino acid substitution p.Ile1595Leu. To our knowledge, this variant has not been reported in the literature. This variant is reported in 0.11% of alleles in individuals of Latino descent in gnomAD. At this time, the clinical significance of this variant is uncertain due to the absence of conclusive functional and genetic evidence.

Labcorp Genetics (formerly Invitae), Labcorp
Classification: Likely benign. Last evaluated: 2026-01-21. Review status: criteria provided, single submitter. Criteria: Invitae Variant Classification Sherloc (09022015). Collection method: clinical testing. Allele origin: germline.

Ambry Genetics
Classification: Uncertain significance for Inborn genetic diseases. Last evaluated: 2025-04-10. Review status: criteria provided, single submitter. Criteria: Ambry Variant Classification Scheme 2023. Collection method: clinical testing. Allele origin: germline.

Blueprint Genetics
Classification: Benign. Last evaluated: 2019-07-02. Review status: criteria provided, single submitter. Criteria: ACMG Guidelines, 2015. Collection method: clinical testing. Allele origin: germline.

Illumina Laboratory Services, Illumina
Classification: Uncertain significance for Usher syndrome type 1. Last evaluated: 2018-01-12. Review status: criteria provided, single submitter. Criteria: ICSL Variant Classification Criteria 13 December 2019. Collection method: clinical testing. Allele origin: germline.

Laboratory for Molecular Medicine, Mass General Brigham Personalized Medicine
Classification: Likely benign. Last evaluated: 2010-07-25. Review status: criteria provided, single submitter. Criteria: LMM Criteria. Collection method: clinical testing. Allele origin: germline. Observed: 1 variant allele.
Comment: This variant has not been reported in the literature, but Ile1585 is not well co nserved, with dog having the variant amino acid (Leu) present at this position a nd chicken and frog having a Met. In addition, in silico analyses all predict th is change to be benign (PolyPhen, SIFT, and AlignGVGD). In summary, the availabl e data suggests this variant is most likely benign.

Natera, Inc.
Classification: Likely benign for Usher syndrome type 1F. Last evaluated: 2020-09-03. Review status: no assertion criteria provided. Collection method: clinical testing. Allele origin: germline. Not counted in ClinVar's aggregate classification.